The following is an entry in ClinVar:

ClinVar aggregate classification (germline): Uncertain significance (0 of 4 stars; one submission).

Conditions:
PLXNA2-related disorder. Also called: PLXNA2-related condition.

gnomAD v4.1: 43 of 1,613,972 alleles (0.0027%); highest among the groups gnomAD compares: East Asian, 0.076%; no homozygotes.

Submission:

PreventionGenetics, part of Exact Sciences
Classification: Uncertain significance for PLXNA2-related condition. Last evaluated: 2024-05-14. Review status: no assertion criteria provided. Collection method: clinical testing. Allele origin: germline.
Comment: The PLXNA2 c.4637C>T variant is predicted to result in the amino acid substitution p.Pro1546Leu. To our knowledge, this variant has not been reported in the literature. This variant is reported in 0.043% of alleles in individuals of East Asian descent in gnomAD. At this time, the clinical significance of this variant is uncertain due to the absence of conclusive functional and genetic evidence.

NM_025179.4(PLXNA2):c.4637C>T (p.Pro1546Leu)

Gene: PLXNA2 (plexin A2; minus strand). Cytogenetic location: 1q32.2.
Variant type: single nucleotide variant.
Coding change: c.4637C>T on transcript NM_025179.4 (MANE Select); coding-DNA position 4637, C replaced by T.
Protein change: p.Pro1546Leu; replaces proline 1546 with leucine.
Molecular consequence: missense variant.
Genome position (GRCh38, 1-based): chr1:208,038,848, G>A on the plus strand (C>T on the coding strand, the complement: PLXNA2 is on the minus strand). VCF-style: chr1-208038848-G-A. GRCh37 (hg19) VCF-style: chr1-208212193-G-A.
Other names: short protein forms P1546L.
Identifiers: ClinVar variation 3355396 (VCV003355396.1).
Genomic context (GRCh38, chr1:208,038,848, plus strand): 5'-AACCCCTGCCCTCACACTCTGAGTCCAGGTTTCCTACCCAAGTCCATGTCCACTGCCCTC[G>A]GCCGCTGGGAATAGGGCACATTCTTATACACGGCATCAAGAATCTTCTCCTTGACCTGTG-3'
Protein context (NP_079455.3, residues 1536-1556): VYKNVPYSQR[Pro1546Leu]RAVDMDLEWR